The following is an entry in ClinVar:

NM_001372.4(DNAH9):c.1494C>T (p.Ser498=)

Gene: DNAH9 (dynein axonemal heavy chain 9; plus strand). Cytogenetic location: 17p12.
Variant type: single nucleotide variant.
Coding change: c.1494C>T on transcript NM_001372.4 (MANE Select); coding-DNA position 1494, C replaced by T.
Protein change: p.Ser498=; no amino-acid change (serine 498 retained).
Molecular consequence: synonymous variant.
Genome position (GRCh38, 1-based): chr17:11,629,560, C>T. VCF-style: chr17-11629560-C-T. GRCh37 (hg19) VCF-style: chr17-11532877-C-T.
Other names: c.1494C>T (NM_001372.3).
Identifiers: ClinVar variation 1573034 (VCV001573034.11), dbSNP rs374206604, ClinGen allele CA8394859.

ClinVar aggregate classification (germline): Likely benign. Review status: criteria provided, multiple submitters, no conflicts (2 of 4 stars). 3 submissions from 3 submitters: Likely benign (2). 1 of the submissions does not count toward it. Last evaluated 2026-01-11.

Conditions:
DNAH9-related disorder. Also called: DNAH9-related condition.

Allele frequency attached by ClinVar (database versions not stated): ESP Exome Variant Server 0.00008; TOPMed 0.00014; gnomAD exomes 0.00018 and 0.00025; gnomAD 0.00019 and 0.00021; ExAC 0.00020.
gnomAD v4.1: 401 of 1,613,672 alleles (0.025%); highest among the groups gnomAD compares: Non-Finnish European, 0.031%; no homozygotes.

Submissions (3):

Labcorp Genetics (formerly Invitae), Labcorp
Classification: Likely benign. Last evaluated: 2026-01-11. Review status: criteria provided, single submitter. Criteria: Invitae Variant Classification Sherloc (09022015). Collection method: clinical testing. Allele origin: germline.

Blueprint Genetics
Classification: Likely benign. Last evaluated: 2024-10-24. Review status: criteria provided, single submitter. Criteria: ACMG Guidelines, 2015. Collection method: clinical testing. Allele origin: germline.

PreventionGenetics, part of Exact Sciences
Classification: Likely benign for DNAH9-related condition. Last evaluated: 2021-07-15. Review status: no assertion criteria provided. Collection method: clinical testing. Allele origin: germline. Not counted in ClinVar's aggregate classification.
Comment: This variant is classified as likely benign based on ACMG/AMP sequence variant interpretation guidelines (Richards et al. 2015 PMID: 25741868, with internal and published modifications).